The following is an entry in ClinVar:

ClinVar aggregate classification (germline): Uncertain significance (1 of 4 stars; one submission).

Conditions:
Neurodevelopmental disorder with hypotonia, stereotypic hand movements, and impaired language. Also called: Intellectual disability, autosomal dominant 20. Identifiers: Orphanet 228384, Orphanet 664410, MedGen C3150700, MONDO:0013266, OMIM 613443.

Submission:

Labcorp Genetics (formerly Invitae), Labcorp
Classification: Uncertain significance for Neurodevelopmental disorder with hypotonia, stereotypic hand movements, and impaired language. Last evaluated: 2022-10-13. Review status: criteria provided, single submitter. Criteria: Invitae Variant Classification Sherloc (09022015). Collection method: clinical testing. Allele origin: germline.
Comment: This sequence change replaces isoleucine, which is neutral and non-polar, with serine, which is neutral and polar, at codon 43 of the MEF2C protein (p.Ile43Ser). This variant is not present in population databases (gnomAD no frequency). This variant has not been reported in the literature in individuals affected with MEF2C-related conditions. Advanced modeling of protein sequence and biophysical properties (such as structural, functional, and spatial information, amino acid conservation, physicochemical variation, residue mobility, and thermodynamic stability) performed at Invitae indicates that this missense variant is expected to disrupt MEF2C protein function. In summary, the available evidence is currently insufficient to determine the role of this variant in disease. Therefore, it has been classified as a Variant of Uncertain Significance.

NM_002397.5(MEF2C):c.128T>G (p.Ile43Ser)

Gene: MEF2C (myocyte enhancer factor 2C; minus strand). Cytogenetic location: 5q14.3.
Variant type: single nucleotide variant.
Coding change: c.128T>G on transcript NM_002397.5 (MANE Select); coding-DNA position 128, T replaced by G.
Protein change: p.Ile43Ser; replaces isoleucine 43 with serine.
Molecular consequence: missense variant.
Genome position (GRCh38, 1-based): chr5:88,804,728, A>C on the plus strand (T>G on the coding strand, the complement: MEF2C is on the minus strand). VCF-style: chr5-88804728-A-C. GRCh37 (hg19) VCF-style: chr5-88100545-A-C.
Other names: c.128T>G, p.Ile43Ser (NM_001364331.2, NM_001364332.2, NM_001364333.2 and 29 more transcripts); short protein forms I43S.
Identifiers: ClinVar variation 2104734 (VCV002104734.4), dbSNP rs2531284325, ClinGen allele CA360425059.
Genomic context (GRCh38, chr5:88,804,728, plus strand): 5'-TCCATGTCGGTGCTGGCATACTGGAACAGCTTGTTGGTGCTGTTGAAGATGATCAGCGCA[A>C]TCTCACAGTCACACAGCACGCTCAGCTCATAAGCCTTCTTCATCAACCCAAATTTCCTCT-3'
Protein context (NP_002388.2, residues 33-53): YELSVLCDCE[Ile43Ser]ALIIFNSTNK